The following is an entry in ClinVar:

ClinVar aggregate classification (germline): Uncertain significance (1 of 4 stars; one submission).

Submission:

Labcorp Genetics (formerly Invitae), Labcorp
Classification: Uncertain significance. Last evaluated: 2024-04-25. Review status: criteria provided, single submitter. Criteria: Invitae Variant Classification Sherloc (09022015). Collection method: clinical testing. Allele origin: germline.
Comment: This sequence change replaces aspartic acid, which is acidic and polar, with glutamic acid, which is acidic and polar, at codon 66 of the THPO protein (p.Asp66Glu). This variant is not present in population databases (gnomAD no frequency). This variant has not been reported in the literature in individuals affected with THPO-related conditions. Advanced modeling of protein sequence and biophysical properties (such as structural, functional, and spatial information, amino acid conservation, physicochemical variation, residue mobility, and thermodynamic stability) has been performed at Invitae for this missense variant, however the output from this modeling did not meet the statistical confidence thresholds required to predict the impact of this variant on THPO protein function. In summary, the available evidence is currently insufficient to determine the role of this variant in disease. Therefore, it has been classified as a Variant of Uncertain Significance.

NM_000460.4(THPO):c.198C>G (p.Asp66Glu)

Gene: THPO (thrombopoietin; minus strand). Cytogenetic location: 3q27.1.
Variant type: single nucleotide variant.
Coding change: c.198C>G on transcript NM_000460.4 (MANE Select); coding-DNA position 198, C replaced by G.
Protein change: p.Asp66Glu; replaces aspartic acid 66 with glutamic acid.
Molecular consequence: missense variant.
Genome position (GRCh38, 1-based): chr3:184,375,545, G>C on the plus strand (C>G on the coding strand, the complement: THPO is on the minus strand). VCF-style: chr3-184375545-G-C. GRCh37 (hg19) VCF-style: chr3-184093333-G-C.
Other names: c.198C>G, p.Asp66Glu (NM_001177597.2, NM_001177598.2, NM_001289997.1 and 5 more transcripts); c.618C>G, p.Asp206Glu (NM_001290003.1); short protein forms D206E, D66E.
Identifiers: ClinVar variation 3650940 (VCV003650940.2).